The following is an entry in ClinVar:

ClinVar aggregate classification (germline): Uncertain significance. Review status: criteria provided, multiple submitters, no conflicts (2 of 4 stars). 2 submissions from 2 submitters: Uncertain significance (2). Last evaluated 2025-12-15.

gnomAD v4.1: 1 of 1,614,046 alleles (0.000062%); highest among the groups gnomAD compares: East Asian, 0.0022%; no homozygotes.

Submissions (2):

Women's Health and Genetics/Laboratory Corporation of America, LabCorp
Classification: Uncertain significance. Last evaluated: 2025-12-15. Review status: criteria provided, single submitter. Criteria: LabCorp Variant Classification Summary - May 2015. Collection method: clinical testing. Allele origin: germline.
Comment: Variant summary: TNC c.4073T>A (p.Val1358Asp) results in a non-conservative amino acid change located in the Fibronectin type III repeat region (IPR003961) of the encoded protein sequence. Algorithms developed to predict the effect of missense changes on protein structure and function are either unavailable or do not agree on the potential impact of this missense change. The variant allele was found at a frequency of 4e-06 in 250838 control chromosomes (gnomAD). The available data on variant occurrences in the general population are insufficient to allow any conclusion about variant significance. To our knowledge, no occurrence of c.4073T>A in individuals affected with TNC-related conditions and no experimental evidence demonstrating its impact on protein function have been reported. ClinVar contains an entry for this variant (Variation ID: 3459055). Based on the evidence outlined above, the variant was classified as uncertain significance.

Ambry Genetics
Classification: Uncertain significance. Last evaluated: 2024-08-05. Review status: criteria provided, single submitter. Criteria: Ambry Variant Classification Scheme 2023. Collection method: clinical testing. Allele origin: germline.

NM_002160.4(TNC):c.4073T>A (p.Val1358Asp)

Gene: TNC (tenascin C; minus strand). Cytogenetic location: 9q33.1.
Variant type: single nucleotide variant.
Coding change: c.4073T>A on transcript NM_002160.4 (MANE Select); coding-DNA position 4073, T replaced by A.
Protein change: p.Val1358Asp; replaces valine 1358 with aspartic acid.
Molecular consequence: missense variant.
Genome position (GRCh38, 1-based): chr9:115,059,963, A>T on the plus strand (T>A on the coding strand, the complement: TNC is on the minus strand). VCF-style: chr9-115059963-A-T. GRCh37 (hg19) VCF-style: chr9-117822242-A-T.
Other names: c.3800T>A, p.Val1267Asp (NM_001410991.1); short protein forms V1358D, V1267D.
Identifiers: ClinVar variation 3459055 (VCV003459055.2).
Genomic context (GRCh38, chr9:115,059,963, plus strand): 5'-ACAAAGTGCTCATAGGCATTGTCAGCTGCGGTCCAGTTGAGTCTGAGGCCATCCCAGCCA[A>T]CCTCAGACACGGCTAAATCTCCCAGCTGTGGGAGATCCTCTGAAGAAGGACAGAAAAGTA-3'
Protein context (NP_002151.2, residues 1348-1368): PQLGDLAVSE[Val1358Asp]GWDGLRLNWT